The following is an entry in ClinVar:

NM_000360.4(TH):c.916del (p.Arg306fs)

Gene: TH (tyrosine hydroxylase; minus strand). Cytogenetic location: 11p15.5.
Variant type: Deletion.
Coding change: c.916del on transcript NM_000360.4 (MANE Select); coding-DNA position 916, one base deleted (C; older notation c.916delC).
Protein change: p.Arg306fs; shifts the reading frame from arginine 306.
Molecular consequence: frameshift variant.
Genome position (GRCh38, 1-based): chr11:2,166,694, G deleted on the plus strand (C on the coding strand, the reverse complement: TH is on the minus strand); the first of 2 consecutive G bases (chr11:2,166,694-2,166,695); deleting either gives the same sequence. VCF-style (leftmost placement, unchanged base first): chr11-2166693-CG-C. GRCh37 (hg19) VCF-style: chr11-2187923-CG-C.
Other names: c.1009del, p.Arg337fs (NM_199292.3); c.997del, p.Arg333fs (NM_199293.3); short protein forms R306fs, R337fs, R333fs.
Identifiers: ClinVar variation 2857386 (VCV002857386.3), dbSNP rs2495803181, ClinGen allele CA2739276094.

ClinVar aggregate classification (germline): Pathogenic (1 of 4 stars; one submission).

Conditions:
TH-deficient dopa-responsive dystonia. Also called: Tyrosine Hydroxylase-Deficient Dopa-Responsive Dystonia; Segawa syndrome, autosomal recessive; DYT-TH. Identifiers: Orphanet 101150, MedGen C2673535, MONDO:0011551, OMIM 605407.

Submission:

Labcorp Genetics (formerly Invitae), Labcorp
Classification: Pathogenic for TH-deficient dopa-responsive dystonia. Last evaluated: 2023-10-26. Review status: criteria provided, single submitter. Criteria: Invitae Variant Classification Sherloc (09022015). Collection method: clinical testing. Allele origin: germline.
Comment: This sequence change creates a premature translational stop signal (p.Arg337Alafs*80) in the TH gene. It is expected to result in an absent or disrupted protein product. Loss-of-function variants in TH are known to be pathogenic (PMID: 22264700, 24753243). This variant is not present in population databases (gnomAD no frequency). This variant has not been reported in the literature in individuals affected with TH-related conditions. For these reasons, this variant has been classified as Pathogenic.

Literature cited by the submitters: PubMed 22264700; PubMed 24753243.